The following is an entry in ClinVar:

ClinVar aggregate classification (germline): Uncertain significance (1 of 4 stars; one submission).

Allele frequency attached by ClinVar (database versions not stated): gnomAD 0.00001; TOPMed 0.00001; ExAC 0.00002; gnomAD exomes 0.00002.
gnomAD v4.1: 30 of 1,614,142 alleles (0.0019%); highest among the groups gnomAD compares: Non-Finnish European, 0.0025%; no homozygotes.

Submission:

Labcorp Genetics (formerly Invitae), Labcorp
Classification: Uncertain significance. Last evaluated: 2022-05-18. Review status: criteria provided, single submitter. Criteria: Invitae Variant Classification Sherloc (09022015). Collection method: clinical testing. Allele origin: germline.
Comment: In summary, the available evidence is currently insufficient to determine the role of this variant in disease. Therefore, it has been classified as a Variant of Uncertain Significance. Algorithms developed to predict the effect of missense changes on protein structure and function output the following: SIFT: "Tolerated"; PolyPhen-2: "Benign"; Align-GVGD: "Class C0". The histidine amino acid residue is found in multiple mammalian species, which suggests that this missense change does not adversely affect protein function. This variant has not been reported in the literature in individuals affected with CXCR2-related conditions. This variant is present in population databases (rs199633255, gnomAD 0.002%). This sequence change replaces tyrosine, which is neutral and polar, with histidine, which is basic and polar, at codon 75 of the CXCR2 protein (p.Tyr75His).

NM_001557.4(CXCR2):c.223T>C (p.Tyr75His)

Gene: CXCR2 (C-X-C motif chemokine receptor 2; plus strand). Cytogenetic location: 2q35.
Variant type: single nucleotide variant.
Coding change: c.223T>C on transcript NM_001557.4 (MANE Select); coding-DNA position 223, T replaced by C.
Protein change: p.Tyr75His; replaces tyrosine 75 with histidine.
Molecular consequence: missense variant.
Genome position (GRCh38, 1-based): chr2:218,135,024, T>C. VCF-style: chr2-218135024-T-C. GRCh37 (hg19) VCF-style: chr2-218999747-T-C.
Other names: c.223T>C, p.Tyr75His (NM_001168298.2); short protein forms Y75H.
Identifiers: ClinVar variation 1961608 (VCV001961608.5), dbSNP rs199633255, ClinGen allele CA2101663.